The following is an entry in ClinVar:

ClinVar aggregate classification (germline): Likely benign. Review status: criteria provided, multiple submitters, no conflicts (2 of 4 stars). 2 submissions from 2 submitters: Likely benign (2). Last evaluated 2026-02-03.

Conditions:
TGFB2-related disorder. Also called: TGFB2-related condition.
Loeys-Dietz syndrome 4 (LDS4). Also called: ANEURYSM, AORTIC AND CEREBRAL, WITH ARTERIAL TORTUOSITY AND SKELETAL MANIFESTATIONS; TGFB2-Related Loeys-Dietz Syndrome. Identifiers: MedGen C3553762, MONDO:0013897, OMIM 614816.

gnomAD v4.1: 2 of 1,614,138 alleles (0.00012%); highest among the groups gnomAD compares: Non-Finnish European, 0.00017%; no homozygotes.

Submissions (2):

Labcorp Genetics (formerly Invitae), Labcorp
Classification: Likely benign for Loeys-Dietz syndrome 4. Last evaluated: 2026-02-03. Review status: criteria provided, single submitter. Criteria: Invitae Variant Classification Sherloc (09022015). Collection method: clinical testing. Allele origin: germline.

PreventionGenetics, part of Exact Sciences
Classification: Likely benign for TGFB2-related condition. Last evaluated: 2026-01-15. Review status: criteria provided, single submitter. Criteria: ACMG Guidelines, 2015. Collection method: clinical testing. Allele origin: germline.
Comment: This variant is classified as likely benign based on ACMG/AMP sequence variant interpretation guidelines (Richards et al. 2015 PMID: 25741868, with internal and published modifications).

NM_003238.6(TGFB2):c.420T>C (p.Asn140=)

Gene: TGFB2 (transforming growth factor beta 2; plus strand). Cytogenetic location: 1q41.
Variant type: single nucleotide variant.
Coding change: c.420T>C on transcript NM_003238.6 (MANE Select); coding-DNA position 420, T replaced by C.
Protein change: p.Asn140=; no amino-acid change (asparagine 140 retained).
Molecular consequence: synonymous variant. On other transcripts: non-coding transcript variant (2).
Genome position (GRCh38, 1-based): chr1:218,405,242, T>C. VCF-style: chr1-218405242-T-C. GRCh37 (hg19) VCF-style: chr1-218578584-T-C.
Other names: c.504T>C, p.Asn168= (NM_001135599.4); c.420T>C (NM_003238.4).
Identifiers: ClinVar variation 4736621 (VCV004736621.2).
Genomic context (GRCh38, chr1:218,405,242, plus strand): 5'-CACTTTCTACAGACCCTACTTCAGAATTGTTCGATTTGACGTCTCAGCAATGGAGAAGAA[T>C]GCTTCCAATTTGGTGAAAGCAGAGTTCAGAGTCTTTCGTTTGCAGAACCCAAAAGCCAGA-3'
Protein context (NP_003229.1, residues 130-150): VRFDVSAMEK[Asn140=]ASNLVKAEFR